The following is an entry in ClinVar:

NM_001134363.3(RBM20):c.3244del (p.Leu1082fs)

Gene: RBM20 (RNA binding motif protein 20; plus strand). Cytogenetic location: 10q25.2.
Variant type: Deletion.
Coding change: c.3244del on transcript NM_001134363.3 (MANE Select); coding-DNA position 3244, one base deleted (C; older notation c.3244delC).
Protein change: p.Leu1082fs; shifts the reading frame from leucine 1082.
Molecular consequence: frameshift variant.
Genome position (GRCh38, 1-based): chr10:110,821,863, C deleted; the last of 5 consecutive C bases (chr10:110,821,859-110,821,863); deleting any one gives the same sequence. VCF-style (leftmost placement, unchanged base first): chr10-110821858-GC-G. GRCh37 (hg19) VCF-style: chr10-112581616-GC-G.
Other names: short protein forms L1082fs.
Identifiers: ClinVar variation 2815172 (VCV002815172.3), dbSNP rs2493495479, ClinGen allele CA2610893489.

ClinVar aggregate classification (germline): Pathogenic (1 of 4 stars; one submission).

Conditions:
Dilated cardiomyopathy 1DD (CMD1DD). Identifiers: Orphanet 154, MedGen C2750995, MONDO:0013168, OMIM 613172.

Submission:

Labcorp Genetics (formerly Invitae), Labcorp
Classification: Pathogenic for Dilated cardiomyopathy 1DD. Last evaluated: 2025-11-21. Review status: criteria provided, single submitter. Criteria: Invitae Variant Classification Sherloc (09022015). Collection method: clinical testing. Allele origin: germline.
Comment: This sequence change creates a premature translational stop signal (p.Leu1082Trpfs*22) in the RBM20 gene. It is expected to result in an absent or disrupted protein product. Loss-of-function variants in RBM20 are known to be pathogenic (PMID: 20590677, 22004663, 38288598, 38510713, 40339755). This variant is not present in population databases (gnomAD no frequency). This variant has not been reported in the literature in individuals affected with RBM20-related conditions. ClinVar contains an entry for this variant (Variation ID: 2815172). For these reasons, this variant has been classified as Pathogenic.

Literature cited by the submitters: PubMed 20590677; PubMed 22004663; PubMed 38288598; PubMed 38510713; PubMed 40339755.